The following is an entry in ClinVar:

ClinVar aggregate classification (germline): Uncertain significance (1 of 4 stars; one submission).

Conditions:
Inborn genetic diseases. Identifiers: MedGen C0950123, MeSH D030342.

gnomAD v4.1: 3 of 1,554,450 alleles (0.00019%); highest among the groups gnomAD compares: African/African-American, 0.0014%; no homozygotes.

Submission:

Ambry Genetics
Classification: Uncertain significance for Inborn genetic diseases. Last evaluated: 2024-12-19. Review status: criteria provided, single submitter. Criteria: Ambry Variant Classification Scheme 2023. Collection method: clinical testing. Allele origin: germline.
Comment: The c.-4G>A variant is located in the 5' untranslated region (5&rsquo; UTR) of the GATA2 gene. This variant results from a G to A substitution 4 bases upstream from the first translated codon. This nucleotide position is well conserved in available vertebrate species. Based on the available evidence, the clinical significance of this variant remains unclear.

NM_032638.5(GATA2):c.-4G>A

Gene: GATA2 (GATA binding protein 2; minus strand). Cytogenetic location: 3q21.3.
Variant type: single nucleotide variant.
Coding change: c.-4G>A on transcript NM_032638.5 (MANE Select); 4 bases upstream of the start codon, G replaced by A.
Molecular consequence: 5 prime UTR variant.
Genome position (GRCh38, 1-based): chr3:128,487,035, C>T on the plus strand (G>A on the coding strand, the complement: GATA2 is on the minus strand). VCF-style: chr3-128487035-C-T. GRCh37 (hg19) VCF-style: chr3-128205878-C-T.
Other names: c.-4G>A (NM_001145661.2, NM_001145662.1).
Identifiers: ClinVar variation 3853001 (VCV003853001.1).
Genomic context (GRCh38, chr3:128,487,035, plus strand): 5'-CGCATTCAGCACGGCCGGGTGCGCCATCCAGCGCGGCTGCTCGGGCGCCACCTCCATGGC[C>T]GGCGGCGGCGGCTCAGGGTCTGGGTGCAGACGGCAACGGCCCTGCGCGAGGAAGGGGGAG-3'